The following is an entry in ClinVar:

NM_032999.4(GTF2I):c.693C>T (p.Ser231=)

Genes: GTF2I (general transcription factor IIi; plus strand), GTF2I-AS1 (GTF2I antisense RNA 1; minus strand). Cytogenetic location: 7q11.23.
Variant type: single nucleotide variant.
Coding change: c.693C>T on transcript NM_032999.4 (MANE Select); coding-DNA position 693, C replaced by T.
Protein change: p.Ser231=; no amino-acid change (serine 231 retained).
Molecular consequence: synonymous variant.
Genome position (GRCh38, 1-based): chr7:74,711,039, C>T. VCF-style: chr7-74711039-C-T. GRCh37 (hg19) VCF-style: chr7-74125370-C-T.
Other names: c.693C>T, p.Ser231= (NM_001163636.3, NM_001280800.2, NM_001518.5 and 2 more transcripts).
Identifiers: ClinVar variation 4822040 (VCV004822040.4), dbSNP rs267601566.

ClinVar aggregate classification (germline): Likely benign (1 of 4 stars; one submission).

Submission:

CeGaT Center for Human Genetics Tuebingen
Classification: Likely benign. Last evaluated: 2026-03-01. Review status: criteria provided, single submitter. Criteria: CeGaT Center For Human Genetics Tuebingen Variant Classification Criteria Version 2. Collection method: clinical testing. Allele origin: germline. Affected: yes. Observed: 1 variant allele.
Comment: GTF2I: PM2:Supporting, BP4, BP7